The following is an entry in ClinVar:

NM_005187.6(CBFA2T3):c.951G>A (p.Arg317=)

Genes: CBFA2T3 (CBFA2/RUNX1 partner transcriptional co-repressor 3; minus strand), LOC101927793 (uncharacterized LOC101927793; plus strand). Cytogenetic location: 16q24.3.
Variant type: single nucleotide variant.
Coding change: c.951G>A on transcript NM_005187.6 (MANE Select); coding-DNA position 951, G replaced by A.
Protein change: p.Arg317=; no amino-acid change (arginine 317 retained).
Molecular consequence: synonymous variant.
Genome position (GRCh38, 1-based): chr16:88,885,212, C>T on the plus strand (G>A on the coding strand, the complement: CBFA2T3 is on the minus strand). VCF-style: chr16-88885212-C-T. GRCh37 (hg19) VCF-style: chr16-88951620-C-T.
Other names: c.693G>A, p.Arg231= (NM_175931.3).
Identifiers: ClinVar variation 2647017 (VCV002647017.24), dbSNP rs761363984, ClinGen allele CA8236720.

ClinVar aggregate classification (germline): Likely benign (1 of 4 stars; one submission).

Allele frequency attached by ClinVar (database versions not stated): ExAC 0.00003; gnomAD 0.00003; TOPMed 0.00003.
gnomAD v4.1: 43 of 1,596,124 alleles (0.0027%); highest among the groups gnomAD compares: Admixed American, 0.017%; no homozygotes.

Submission:

CeGaT Center for Human Genetics Tuebingen
Classification: Likely benign. Last evaluated: 2023-03-01. Review status: criteria provided, single submitter. Criteria: CeGaT Center For Human Genetics Tuebingen Variant Classification Criteria Version 2. Collection method: clinical testing. Allele origin: germline. Affected: yes. Observed: 1 variant allele.
Comment: CBFA2T3: BP4, BP7